The following is an entry in ClinVar:

ClinVar aggregate classification (germline): Likely benign. Review status: criteria provided, multiple submitters, no conflicts (2 of 4 stars). 2 submissions from 2 submitters: Likely benign (2). Last evaluated 2024-11-27.

Conditions:
Inborn genetic diseases. Identifiers: MedGen C0950123, MeSH D030342.

Allele frequency attached by ClinVar (database versions not stated): 1000 Genomes Project 30x 0.00016.

Submissions (2):

Ambry Genetics
Classification: Likely benign for Inborn genetic diseases. Last evaluated: 2024-11-27. Review status: criteria provided, single submitter. Criteria: Ambry Variant Classification Scheme 2023. Collection method: clinical testing. Allele origin: germline.

Laboratory for Molecular Medicine, Mass General Brigham Personalized Medicine
Classification: Likely benign. Last evaluated: 2015-12-01. Review status: criteria provided, single submitter. Criteria: LMM Criteria. Collection method: clinical testing. Allele origin: germline. Observed: 1 variant allele.
Comment: p.Lys232Glu in exon 2 of STRC: This variant is not expected to have clinical sig nificance due to a lack of conservation across species, including mammals. Of no te, >20 mammals have a Glutamic acid (Glu) at this position.

NM_153700.2(STRC):c.694A>G (p.Lys232Glu)

Gene: STRC (stereocilin; minus strand). Cytogenetic location: 15q15.3.
Variant type: single nucleotide variant.
Coding change: c.694A>G on transcript NM_153700.2 (MANE Select); coding-DNA position 694, A replaced by G.
Protein change: p.Lys232Glu; replaces lysine 232 with glutamic acid.
Molecular consequence: missense variant.
Genome position (GRCh38, 1-based): chr15:43,617,727, T>C on the plus strand (A>G on the coding strand, the complement: STRC is on the minus strand). VCF-style: chr15-43617727-T-C. GRCh37 (hg19) VCF-style: chr15-43909925-T-C.
Other names: short protein forms K232E.
Identifiers: ClinVar variation 227973 (VCV000227973.6), dbSNP rs876657585, ClinGen allele CA10576987.